The following is an entry in ClinVar:

NM_001354930.2(RIPK1):c.156C>A (p.Asn52Lys)

Gene: RIPK1 (receptor interacting serine/threonine kinase 1; plus strand). Cytogenetic location: 6p25.2.
Variant type: single nucleotide variant.
Coding change: c.156C>A on transcript NM_001354930.2 (MANE Select); coding-DNA position 156, C replaced by A.
Protein change: p.Asn52Lys; replaces asparagine 52 with lysine.
Molecular consequence: missense variant. On other transcripts: 5 prime UTR variant (4).
Genome position (GRCh38, 1-based): chr6:3,076,979, C>A. VCF-style: chr6-3076979-C-A. GRCh37 (hg19) VCF-style: chr6-3077213-C-A.
Other names: c.-448C>A (NM_001317061.3, NM_001354932.2, NM_001354933.2 and 1 more transcripts); c.156C>A, p.Asn52Lys (NM_001354931.2, NM_003804.6); short protein forms N52K.
Identifiers: ClinVar variation 4873562 (VCV004873562.2).

ClinVar aggregate classification (germline): Uncertain significance (1 of 4 stars; one submission).

gnomAD v4.1: 3 of 1,589,408 alleles (0.00019%); highest among the groups gnomAD compares: Non-Finnish European, 0.00026%; no homozygotes.

Submission:

CeGaT Center for Human Genetics Tuebingen
Classification: Uncertain significance. Last evaluated: 2026-04-01. Review status: criteria provided, single submitter. Criteria: CeGaT Center For Human Genetics Tuebingen Variant Classification Criteria Version 2. Collection method: clinical testing. Allele origin: germline. Affected: yes. Observed: 1 variant allele.
Comment: RIPK1: PM2, BP4